The following is an entry in ClinVar:

ClinVar aggregate classification (germline): Uncertain significance (1 of 4 stars; one submission).

Conditions:
Hereditary spastic paraplegia 30. Identifiers: Orphanet 101010, MedGen C5235139, MONDO:0012476.
Neuropathy, hereditary sensory, type 2C. Also called: Hereditary sensory and autonomic neuropathy type IIC; KIF1A-Related HSAN2 (HSAN2C). Identifiers: Orphanet 970, MedGen C3280168, MONDO:0013634, OMIM 614213.
Intellectual disability, autosomal dominant 9 (NESCAVS). Also called: NESCAV SYNDROME; KIF1A-Related Neurodevelopmental Disorder. Identifiers: Orphanet 662367, MedGen C5393830, MONDO:0013656, OMIM 614255.

Allele frequency attached by ClinVar (database versions not stated): gnomAD 0.00001; 1000 Genomes Project 30x 0.00016; 1000 Genomes Project 0.00040.
gnomAD v4.1: 6 of 1,537,474 alleles (0.00039%); highest among the groups gnomAD compares: South Asian, 0.0012%; no homozygotes.

Submission:

Labcorp Genetics (formerly Invitae), Labcorp
Classification: Uncertain significance for Hereditary spastic paraplegia 30; Neuropathy, hereditary sensory, type 2C; Intellectual disability, autosomal dominant 9. Last evaluated: 2023-07-30. Review status: criteria provided, single submitter. Criteria: Invitae Variant Classification Sherloc (09022015). Collection method: clinical testing. Allele origin: germline.
Comment: This sequence change replaces arginine, which is basic and polar, with cysteine, which is neutral and slightly polar, at codon 1344 of the KIF1A protein (p.Arg1344Cys). The frequency data for this variant in the population databases is considered unreliable, as metrics indicate poor data quality at this position in the gnomAD database. This variant has not been reported in the literature in individuals affected with KIF1A-related conditions. In summary, the available evidence is currently insufficient to determine the role of this variant in disease. Therefore, it has been classified as a Variant of Uncertain Significance. Advanced modeling of protein sequence and biophysical properties (such as structural, functional, and spatial information, amino acid conservation, physicochemical variation, residue mobility, and thermodynamic stability) performed at Invitae indicates that this missense variant is not expected to disrupt KIF1A protein function. ClinVar contains an entry for this variant (Variation ID: 1389567).

NM_001244008.2(KIF1A):c.4333C>T (p.Arg1445Cys)

Gene: KIF1A (kinesin family member 1A; minus strand). Cytogenetic location: 2q37.3.
Variant type: single nucleotide variant.
Coding change: c.4333C>T on transcript NM_001244008.2 (MANE Select); coding-DNA position 4333, C replaced by T.
Protein change: p.Arg1445Cys; replaces arginine 1445 with cysteine.
Molecular consequence: missense variant.
Genome position (GRCh38, 1-based): chr2:240,723,544, G>A on the plus strand (C>T on the coding strand, the complement: KIF1A is on the minus strand). VCF-style: chr2-240723544-G-A. GRCh37 (hg19) VCF-style: chr2-241662961-G-A.
Other names: c.4057C>T, p.Arg1353Cys (NM_001320705.2, NM_001379649.1); c.4084C>T, p.Arg1362Cys (NM_001330289.2); c.4132C>T, p.Arg1378Cys (NM_001330290.2, NM_001379648.1); c.4408C>T, p.Arg1470Cys (NM_001379631.1); c.4309C>T, p.Arg1437Cys (NM_001379632.1); c.4306C>T, p.Arg1436Cys (NM_001379633.1, NM_001379645.1); c.4159C>T, p.Arg1387Cys (NM_001379634.1); c.4156C>T, p.Arg1386Cys (NM_001379635.1, NM_001379646.1); and 7 more; short protein forms R1361C, R1382C, R1386C, R1344C, R1352C, R1436C, R1437C, R1343C.
Identifiers: ClinVar variation 1389567 (VCV001389567.8), dbSNP rs573782102, ClinGen allele CA68138597.
Genomic context (GRCh38, chr2:240,723,544, plus strand): 5'-AGCCTGCCAGGTTCTCCTCGCCCCGGACATAGGCCACAGATGTGTCCAGGACTCGTCGGC[G>A]CCGGCGCTGCATCCCTGCATGGGGCACGTGGACATTCCACCCCTACCTGATGGGTGGCTG-3'
Protein context (NP_001230937.1, residues 1435-1455): DAGSPGMQRR[Arg1445Cys]RRVLDTSVAY